The following is an entry in ClinVar:

NM_023036.6(DNAI2):c.1474dup (p.Glu492fs)

Gene: DNAI2 (dynein axonemal intermediate chain 2; plus strand). Cytogenetic location: 17q25.1.
Variant type: Duplication.
Coding change: c.1474dup on transcript NM_023036.6 (MANE Select); coding-DNA position 1474, one base duplicated (G; older notation c.1474dupG).
Protein change: p.Glu492fs; shifts the reading frame from glutamic acid 492.
Molecular consequence: frameshift variant. On other transcripts: non-coding transcript variant (1).
Genome position (GRCh38, 1-based): chr17:74,310,143, G duplicated. VCF-style (leftmost placement, unchanged base first): chr17-74310142-T-TG. GRCh37 (hg19) VCF-style: chr17-72306281-T-TG.
Other names: c.1438dup, p.Glu480fs (NM_001172810.3); c.1474dup, p.Glu492fs (NM_001353167.2); short protein forms E480fs, E492fs.
Identifiers: ClinVar variation 4816115 (VCV004816115.1).

ClinVar aggregate classification (germline): Likely pathogenic (1 of 4 stars; one submission).

Conditions:
Primary ciliary dyskinesia. Also called: Ciliary dyskinesia. Identifiers: Orphanet 244, MedGen C0008780, MONDO:0016575, HP:0012265.

Submission:

Natera, Inc.
Classification: Likely pathogenic for Primary ciliary dyskinesia. Last evaluated: 2024-08-15. Review status: criteria provided, single submitter. Criteria: Natera Variant Classification Schema (03/2026). Collection method: clinical testing. Allele origin: germline.
Comment: The c.1474dup variant in DNAI2 is a frameshift variant predicted to shift the reading frame beginning at codon 492 and leads to a stop codon 10 codons downstream. This variant is expected to result in nonsense mediated decay, truncation, or a dysfunctional protein product. This variant is rare in the general population with a frequency below the threshold expected for the associated phenotype(s). Given the available evidence, this variant is classified as Likely Pathogenic.